The following is an entry in ClinVar:

NM_004655.4(AXIN2):c.190G>A (p.Glu64Lys)

Gene: AXIN2 (axin 2; minus strand). Cytogenetic location: 17q24.1.
Variant type: single nucleotide variant.
Coding change: c.190G>A on transcript NM_004655.4 (MANE Select); coding-DNA position 190, G replaced by A.
Protein change: p.Glu64Lys; replaces glutamic acid 64 with lysine.
Molecular consequence: missense variant.
Genome position (GRCh38, 1-based): chr17:65,558,431, C>T on the plus strand (G>A on the coding strand, the complement: AXIN2 is on the minus strand). VCF-style: chr17-65558431-C-T. GRCh37 (hg19) VCF-style: chr17-63554549-C-T.
Other names: c.190G>A, p.Glu64Lys (NM_001363813.1); short protein forms E64K.
Identifiers: ClinVar variation 3470850 (VCV003470850.1).

ClinVar aggregate classification (germline): Uncertain significance (1 of 4 stars; one submission).

Conditions:
Hereditary cancer-predisposing syndrome. Also called: Tumor predisposition; Neoplastic Syndromes, Hereditary; Hereditary neoplastic syndrome; Hereditary Cancer Syndrome. Identifiers: Orphanet 140162, MedGen C0027672, MeSH D009386, MONDO:0015356.

gnomAD v4.1: 1 of 1,600,072 alleles (0.000062%); highest among the groups gnomAD compares: Non-Finnish European, 0.000085%; no homozygotes.

Submission:

Ambry Genetics
Classification: Uncertain significance for Hereditary cancer-predisposing syndrome. Last evaluated: 2024-11-10. Review status: criteria provided, single submitter. Criteria: Ambry Variant Classification Scheme 2023. Collection method: clinical testing. Allele origin: germline.
Comment: The p.E64K variant (also known as c.190G>A), located in coding exon 1 of the AXIN2 gene, results from a G to A substitution at nucleotide position 190. The glutamic acid at codon 64 is replaced by lysine, an amino acid with similar properties. This amino acid position is conserved. In addition, the in silico prediction for this alteration is inconclusive. Based on the available evidence, the clinical significance of this variant remains unclear.